The following is an entry in ClinVar:

ClinVar aggregate classification (germline): Likely pathogenic. Review status: criteria provided, single submitter (1 of 4 stars). 3 submissions from 3 submitters: Likely pathogenic (1). 2 of the submissions do not count toward it. Last evaluated 2025-01-10.

Conditions:
Neurodevelopmental disorder with or without seizures and gait abnormalities. Identifiers: MedGen C4693391, MONDO:0060641, OMIM 617864.
Intellectual disability. Also called: Intellectual developmental disorder; Intellectual functioning disability; intellectual disabilities. Identifiers: MedGen C3714756, MeSH D008607, MONDO:0001071, HP:0001249.

Submissions (3):

3billion
Classification: Likely pathogenic for Neurodevelopmental disorder with or without seizures and gait abnormalities. Last evaluated: 2025-01-10. Review status: criteria provided, single submitter. Criteria: ACMG Guidelines, 2015. Collection method: clinical testing. Allele origin: germline. Affected: yes.
Comment: The variant is not observed in the gnomAD v4.1.0 dataset. Predicted Consequence/Location: Missense variant. Missense changes are a common disease-causing mechanism. In silico tool predictions suggest damaging effect of the variant on gene or gene product [REVEL: 0.75 (>=0.6, sensitivity 0.68 and specificity 0.92); 3Cnet: 0.99 (>=0.6, sensitivity 0.72 and precision 0.9)]. The same nucleotide change resulting in the same amino acid change has been previously reported to be associated with GRIA4-related disorder (ClinVar ID: VCV000446209 /PMID: 29220673).The variant has been previously reported as de novo in a similarly affected individual (PMID: 29220673). Therefore, this variant is classified as Likely pathogenic according to the recommendation of ACMG/AMP guideline.

OMIM
Classification: Pathogenic for NEURODEVELOPMENTAL DISORDER WITH SEIZURES AND GAIT ABNORMALITIES. Last evaluated: 2018-02-07. Review status: no assertion criteria provided. Collection method: literature only. Allele origin: germline. Not counted in ClinVar's aggregate classification.

Institute of Human Genetics, University of Leipzig Medical Center
Classification: Likely pathogenic for intellectual disability. Review status: no assertion criteria provided. Collection method: research. Allele origin: de novo. Affected: yes. Not counted in ClinVar's aggregate classification.

Literature cited by the submitters: PubMed 29220673 (cited by 3billion and OMIM).

NM_000829.4(GRIA4):c.1931C>T (p.Ala644Val)

Gene: GRIA4 (glutamate ionotropic receptor AMPA type subunit 4; plus strand). Cytogenetic location: 11q22.3.
Variant type: single nucleotide variant.
Coding change: c.1931C>T on transcript NM_000829.4 (MANE Select); coding-DNA position 1931, C replaced by T.
Protein change: p.Ala644Val; replaces alanine 644 with valine.
Molecular consequence: missense variant. On other transcripts: non-coding transcript variant (1).
Genome position (GRCh38, 1-based): chr11:105,926,824, C>T. VCF-style: chr11-105926824-C-T. GRCh37 (hg19) VCF-style: chr11-105797550-C-T.
Other names: c.1931C>T, p.Ala644Val (NM_001077243.3); short protein forms A644V.
Identifiers: ClinVar variation 446209 (VCV000446209.3), dbSNP rs1555050174, ClinGen allele CA382301822.